The following is an entry in ClinVar:

NM_001035.3(RYR2):c.5983C>G (p.Gln1995Glu)

Gene: RYR2 (ryanodine receptor 2; plus strand). Cytogenetic location: 1q43.
Variant type: single nucleotide variant.
Coding change: c.5983C>G on transcript NM_001035.3 (MANE Select); coding-DNA position 5983, C replaced by G.
Protein change: p.Gln1995Glu; replaces glutamine 1995 with glutamic acid.
Molecular consequence: missense variant.
Genome position (GRCh38, 1-based): chr1:237,623,831, C>G. VCF-style: chr1-237623831-C-G. GRCh37 (hg19) VCF-style: chr1-237787131-C-G.
Other names: short protein forms Q1995E.
Identifiers: ClinVar variation 3385753 (VCV003385753.1).

ClinVar aggregate classification (germline): Uncertain significance (1 of 4 stars; one submission).

Conditions:
Catecholaminergic polymorphic ventricular tachycardia (CVPT). Also called: Catecholamine-induced polymorphic ventricular tachycardia. Identifiers: Orphanet 3286, MedGen C5574922, MONDO:0017990.

gnomAD v4.1: 1 of 1,612,786 alleles (0.000062%); highest among the groups gnomAD compares: Admixed American, 0.0017%; no homozygotes.

Submission:

All of Us Research Program, National Institutes of Health
Classification: Uncertain significance for Catecholaminergic polymorphic ventricular tachycardia. Last evaluated: 2024-04-16. Review status: criteria provided, single submitter. Criteria: ACMG Guidelines, 2015. Collection method: clinical testing. Allele origin: germline. Inheritance: Autosomal dominant inheritance. Observed: 1 variant allele, 1 heterozygote.
Comment: This missense variant replaces glutamine with glutamic acid at codon 1995 of the RYR2 protein. Computational prediction suggests that this variant may not impact protein structure and function (internally defined REVEL score threshold <= 0.5, PMID: 27666373). To our knowledge, functional studies have not been reported for this variant. This variant has not been reported in individuals affected with RYR2-related disorders in the literature. This variant has been identified in 1/249156 chromosomes in the general population by the Genome Aggregation Database (gnomAD). The available evidence is insufficient to determine the role of this variant in disease conclusively. Therefore, this variant is classified as a Variant of Uncertain Significance.

This study involves interpretation of variants in research participants for the purpose of population health screening. Participant phenotype was not available at the time of variant classification. Additional details can be found in publication PMID: 35346344, PMCID: PMC8962531